The following is an entry in ClinVar:

NM_005121.3(MED13):c.1758C>T (p.Phe586=)

Gene: MED13 (mediator complex subunit 13; minus strand). Cytogenetic location: 17q23.2.
Variant type: single nucleotide variant.
Coding change: c.1758C>T on transcript NM_005121.3 (MANE Select); coding-DNA position 1758, C replaced by T.
Protein change: p.Phe586=; no amino-acid change (phenylalanine 586 retained).
Molecular consequence: synonymous variant.
Genome position (GRCh38, 1-based): chr17:62,010,759, G>A on the plus strand (C>T on the coding strand, the complement: MED13 is on the minus strand). VCF-style: chr17-62010759-G-A. GRCh37 (hg19) VCF-style: chr17-60088120-G-A.
Identifiers: ClinVar variation 3026630 (VCV003026630.22), dbSNP rs371928096, ClinGen allele CA501337206.
Genomic context (GRCh38, chr17:62,010,759, plus strand): 5'-CAAGTTTACTGCTGTACCAACATATACTGTAGGTTCTACAGCTTCCTGATATTGAGGTGG[G>A]AAAGACTGGGACAAACTGTCTATCCTATCTTCCATTGGTTTAGAAGGAACCAAGGGATCT-3'
Protein context (NP_005112.2, residues 576-596): EDRIDSLSQS[Phe586=]PPQYQEAVEP

ClinVar aggregate classification (germline): Likely benign (1 of 4 stars; one submission).

gnomAD v4.1: 8 of 1,613,960 alleles (0.0005%); highest among the groups gnomAD compares: African/African-American, 0.0093%; no homozygotes.

Submission:

CeGaT Center for Human Genetics Tuebingen
Classification: Likely benign. Last evaluated: 2023-12-01. Review status: criteria provided, single submitter. Criteria: CeGaT Center For Human Genetics Tuebingen Variant Classification Criteria Version 2. Collection method: clinical testing. Allele origin: germline. Affected: yes. Observed: 1 variant allele.
Comment: MED13: BP4, BP7